The following is an entry in ClinVar:

ClinVar aggregate classification (germline): Uncertain significance (1 of 4 stars; one submission).

Allele frequency attached by ClinVar (database versions not stated): gnomAD exomes 0.00001.
gnomAD v4.1: 3 of 1,614,082 alleles (0.00019%); highest among the groups gnomAD compares: Non-Finnish European, 0.00025%; no homozygotes.

Submission:

Labcorp Genetics (formerly Invitae), Labcorp
Classification: Uncertain significance. Last evaluated: 2022-08-09. Review status: criteria provided, single submitter. Criteria: Invitae Variant Classification Sherloc (09022015). Collection method: clinical testing. Allele origin: germline.
Comment: This sequence change replaces lysine, which is basic and polar, with arginine, which is basic and polar, at codon 2000 of the CPLANE1 protein (p.Lys2000Arg). This variant is not present in population databases (gnomAD no frequency). This variant has not been reported in the literature in individuals affected with CPLANE1-related conditions. Advanced modeling of protein sequence and biophysical properties (such as structural, functional, and spatial information, amino acid conservation, physicochemical variation, residue mobility, and thermodynamic stability) performed at Invitae indicates that this missense variant is not expected to disrupt CPLANE1 protein function. In summary, the available evidence is currently insufficient to determine the role of this variant in disease. Therefore, it has been classified as a Variant of Uncertain Significance.

NM_001384732.1(CPLANE1):c.5999A>G (p.Lys2000Arg)

Gene: CPLANE1 (ciliogenesis and planar polarity effector complex subunit 1; minus strand). Cytogenetic location: 5p13.2.
Variant type: single nucleotide variant.
Coding change: c.5999A>G on transcript NM_001384732.1 (MANE Select); coding-DNA position 5999, A replaced by G.
Protein change: p.Lys2000Arg; replaces lysine 2000 with arginine.
Molecular consequence: missense variant.
Genome position (GRCh38, 1-based): chr5:37,173,927, T>C on the plus strand (A>G on the coding strand, the complement: CPLANE1 is on the minus strand). VCF-style: chr5-37173927-T-C. GRCh37 (hg19) VCF-style: chr5-37174029-T-C.
Other names: c.5999A>G, p.Lys2000Arg (NM_023073.4); short protein forms K2000R.
Identifiers: ClinVar variation 1988180 (VCV001988180.4), dbSNP rs2547677081, ClinGen allele CA359485195.